The following is an entry in ClinVar:

ClinVar aggregate classification (germline): Uncertain significance (0 of 4 stars; one submission).

Submission:

Leiden Open Variation Database
Classification: Uncertain significance. Last evaluated: 2018-10-10. Review status: no assertion criteria provided. Collection method: curation. Allele origin: germline. Affected: yes.
Comment: Curators: Marc Tischkowitz, Arleen D. Auerbach. Submitter to LOVD: Yukihide Momozawa.

Literature cited by the submitters: PubMed 30287823.

NM_024675.4(PALB2):c.1265A>G (p.Lys422Arg)

Gene: PALB2 (partner and localizer of BRCA2; minus strand). Cytogenetic location: 16p12.2.
Variant type: single nucleotide variant.
Coding change: c.1265A>G on transcript NM_024675.4 (MANE Select); coding-DNA position 1265, A replaced by G.
Protein change: p.Lys422Arg; replaces lysine 422 with arginine.
Molecular consequence: missense variant.
Genome position (GRCh38, 1-based): chr16:23,635,281, T>C on the plus strand (A>G on the coding strand, the complement: PALB2 is on the minus strand). VCF-style: chr16-23635281-T-C. GRCh37 (hg19) VCF-style: chr16-23646602-T-C.
Other names: short protein forms K422R.
Identifiers: ClinVar variation 830132 (VCV000830132.1), dbSNP rs1597096566, ClinGen allele CA395132728.